The following is an entry in ClinVar:

NM_001004334.4(GPR179):c.2618A>C (p.Lys873Thr)

Gene: GPR179 (G protein-coupled receptor 179; minus strand). Cytogenetic location: 17q12.
Variant type: single nucleotide variant.
Coding change: c.2618A>C on transcript NM_001004334.4 (MANE Select); coding-DNA position 2618, A replaced by C.
Protein change: p.Lys873Thr; replaces lysine 873 with threonine.
Molecular consequence: missense variant.
Genome position (GRCh38, 1-based): chr17:38,330,951, T>G on the plus strand (A>C on the coding strand, the complement: GPR179 is on the minus strand). VCF-style: chr17-38330951-T-G. GRCh37 (hg19) VCF-style: chr17-36486834-T-G.
Other names: short protein forms K873T.
Identifiers: ClinVar variation 2001713 (VCV002001713.4), dbSNP rs1271025194, ClinGen allele CA398882830.

ClinVar aggregate classification (germline): Uncertain significance (1 of 4 stars; one submission).

Submission:

Labcorp Genetics (formerly Invitae), Labcorp
Classification: Uncertain significance. Last evaluated: 2022-06-02. Review status: criteria provided, single submitter. Criteria: Invitae Variant Classification Sherloc (09022015). Collection method: clinical testing. Allele origin: germline.
Comment: This variant is not present in population databases (gnomAD no frequency). This sequence change replaces lysine, which is basic and polar, with threonine, which is neutral and polar, at codon 873 of the GPR179 protein (p.Lys873Thr). This variant has not been reported in the literature in individuals affected with GPR179-related conditions. In summary, the available evidence is currently insufficient to determine the role of this variant in disease. Therefore, it has been classified as a Variant of Uncertain Significance. Algorithms developed to predict the effect of missense changes on protein structure and function are either unavailable or do not agree on the potential impact of this missense change (SIFT: "Deleterious"; PolyPhen-2: "Possibly Damaging"; Align-GVGD: "Class C0").